The following is an entry in ClinVar:

ClinVar aggregate classification (germline): Uncertain significance. Review status: criteria provided, multiple submitters, no conflicts (2 of 4 stars). 2 submissions from 2 submitters: Uncertain significance (2). Last evaluated 2026-09-23.

Conditions:
Inborn genetic diseases. Identifiers: MedGen C0950123, MeSH D030342.
INSR-related disorder.

Allele frequency attached by ClinVar (database versions not stated): TOPMed below 0.00001; gnomAD exomes 0.00002.
gnomAD v4.1: 24 of 1,614,158 alleles (0.0015%); highest among the groups gnomAD compares: Non-Finnish European, 0.0019%; no homozygotes.

Submissions (2):

PreventionGenetics, part of Exact Sciences
Classification: Uncertain significance for INSR-related condition. Last evaluated: 2026-09-23. Review status: criteria provided, single submitter. Criteria: ACMG Guidelines, 2015. Collection method: clinical testing. Allele origin: germline.
Comment: The INSR c.2267G>A variant is predicted to result in the amino acid substitution p.Arg756Lys. This variant occurs in the last base of exon 11 and is predicted to alter splicing based on available splicing prediction programs (SpliceAI, Jaganathan et al. 2019. PubMed ID: 30661751). However, the use of computer prediction programs is not equivalent to functional evidence. To our knowledge, this variant has not been reported in the literature or in a large population database (gnomAD), indicating this variant is rare. At this time, the clinical significance of this variant is uncertain due to the absence of conclusive functional and genetic evidence.

Ambry Genetics
Classification: Uncertain significance for Inborn genetic diseases. Last evaluated: 2022-03-09. Review status: criteria provided, single submitter. Criteria: Ambry Variant Classification Scheme 2023. Collection method: clinical testing. Allele origin: germline.
Comment: Occurs in the last base pair of the exon Based on insufficient or conflicting evidence, the clinical significance of this alteration remains unclear.

NM_000208.4(INSR):c.2267G>A (p.Arg756Lys)

Gene: INSR (insulin receptor; minus strand). Cytogenetic location: 19p13.2.
Variant type: single nucleotide variant.
Coding change: c.2267G>A on transcript NM_000208.4 (MANE Select); coding-DNA position 2267, G replaced by A.
Protein change: p.Arg756Lys; replaces arginine 756 with lysine.
Molecular consequence: missense variant. On other transcripts: intron variant (1).
Genome position (GRCh38, 1-based): chr19:7,150,497, C>T on the plus strand (G>A on the coding strand, the complement: INSR is on the minus strand). VCF-style: chr19-7150497-C-T. GRCh37 (hg19) VCF-style: chr19-7150508-C-T.
Other names: c.2231+2229G>A (NM_001079817.3); c.2267G>A (NM_000208.3); short protein forms R756K.
Identifiers: ClinVar variation 2275132 (VCV002275132.3), dbSNP rs1001920862, ClinGen allele CA304842494.
Genomic context (GRCh38, chr19:7,150,497, plus strand): 5'-CCTGGCACGCCGCCGGCCCTGCGCGGAGCAGGCACCAGGGGTCGCACAGGTGAGTCATAC[C>T]TAGGGTCCTCGGCACCAGTGCCTGAAGAGGTTTTTCTGTGGAAACAAAACCAACGCCTTT-3'
Protein context (NP_000199.2, residues 746-766): TSSGTGAEDP[Arg756Lys]PSRKRRSLGD